The following is an entry in ClinVar:

ClinVar aggregate classification (germline): Uncertain significance (1 of 4 stars; one submission).

Submission:

Dasa
Classification: Uncertain significance. Last evaluated: 2026-03-12. Review status: criteria provided, single submitter. Criteria: DASA Assertion Criteria. Collection method: clinical testing. Allele origin: germline.
Comment: NM_014413.4(EIF2AK1):c.1280T>C (p.Val427Ala) is a missense variant that results in the substitution of valine with alanine. This variant is rare in population databases. The currently available literature and clinical evidence are not sufficient to establish a definitive association between this variant and the reported condition. Therefore, this variant is classified as a variant of uncertain significance.

NM_014413.4(EIF2AK1):c.1280T>C (p.Val427Ala)

Gene: EIF2AK1 (eukaryotic translation initiation factor 2 alpha kinase 1; minus strand). Cytogenetic location: 7p22.1.
Variant type: single nucleotide variant.
Coding change: c.1280T>C on transcript NM_014413.4 (MANE Select); coding-DNA position 1280, T replaced by C.
Protein change: p.Val427Ala; replaces valine 427 with alanine.
Molecular consequence: missense variant.
Genome position (GRCh38, 1-based): chr7:6,037,476, A>G on the plus strand (T>C on the coding strand, the complement: EIF2AK1 is on the minus strand). VCF-style: chr7-6037476-A-G. GRCh37 (hg19) VCF-style: chr7-6077107-A-G.
Other names: c.1277T>C, p.Val426Ala (NM_001134335.2); short protein forms V426A, V427A.
Identifiers: ClinVar variation 4881357 (VCV004881357.2).
Genomic context (GRCh38, chr7:6,037,476, plus strand): 5'-CCACTTACCTTCAGATCTCGGTGCACAATTCCCATGTTATGTATGTAAAACACACCTTCT[A>G]CCAATTCTTGAAAAATTTTTGTTGCAACATTGGCCATAACATAAGGACCTTGAAGTAAAA-3'
Protein context (NP_055228.2, residues 417-437): NVATKIFQEL[Val427Ala]EGVFYIHNMG